The following is an entry in ClinVar:

ClinVar aggregate classification (germline): Pathogenic/Likely pathogenic. Review status: criteria provided, multiple submitters, no conflicts (2 of 4 stars). 4 submissions from 4 submitters: Pathogenic (1); Likely pathogenic (2). 1 of the submissions does not count toward it. Last evaluated 2024-06-04.

Conditions:
Smith-Lemli-Opitz syndrome (SLOS). Also called: 7-Dehydrocholesterol reductase deficiency; POLYDACTYLY, SEX REVERSAL, RENAL HYPOPLASIA, AND UNILOBAR LUNG; RSH SYNDROME; RUTLEDGE LETHAL MULTIPLE CONGENITAL ANOMALY SYNDROME; LETHAL ACRODYSGENITAL SYNDROME. Identifiers: Orphanet 818, MedGen C0175694, MONDO:0010035, OMIM 270400.

Submissions (4):

Fulgent Genetics
Classification: Likely pathogenic for Smith-Lemli-Opitz syndrome. Last evaluated: 2024-06-04. Review status: criteria provided, single submitter. Criteria: ACMG Guidelines, 2015. Collection method: clinical testing. Allele origin: germline.

Natera, Inc.
Classification: Likely pathogenic for Smith-Lemli-Opitz syndrome. Last evaluated: 2024-04-29. Review status: criteria provided, single submitter. Criteria: Natera Variant Classification Schema (03/2026). Collection method: clinical testing. Allele origin: germline.
Comment: The c.963+1G>T variant in DHCR7 is a canonical splice donor site variant predicted to affect pre-mRNA splicing, which may result in an abnormal transcript and altered protein product. This variant is expected to result in nonsense mediated decay, truncation, or a dysfunctional protein product. This variant is rare in the general population with a frequency below the threshold expected for the associated phenotype(s). Given the available evidence, this variant is classified as Likely Pathogenic.

Baylor Genetics
Classification: Pathogenic for Smith-Lemli-Opitz syndrome. Last evaluated: 2018-12-13. Review status: criteria provided, single submitter. Criteria: ACMG Guidelines, 2015. Collection method: clinical testing. Allele origin: maternal. Affected: yes.
Comment: This variant was determined to be pathogenic according to ACMG Guidelines, 2015 [PMID:25741868].

Counsyl
Classification: Likely pathogenic for Smith-Lemli-Opitz syndrome. Last evaluated: 2016-06-16. Review status: no assertion criteria provided. Collection method: clinical testing. Allele origin: unknown. Not counted in ClinVar's aggregate classification.

NM_001360.3(DHCR7):c.963+1G>T

Gene: DHCR7 (7-dehydrocholesterol reductase; minus strand). Cytogenetic location: 11q13.4.
Variant type: single nucleotide variant.
Coding change: c.963+1G>T on transcript NM_001360.3 (MANE Select); the canonical splice donor site of the intron after coding-DNA position 963, G replaced by T.
Molecular consequence: splice donor variant.
Genome position (GRCh38, 1-based): chr11:71,437,811, C>A on the plus strand (G>T on the coding strand, the complement: DHCR7 is on the minus strand). VCF-style: chr11-71437811-C-A. GRCh37 (hg19) VCF-style: chr11-71148857-C-A.
Other names: c.963+1G>T (NM_001163817.2).
Identifiers: ClinVar variation 371059 (VCV000371059.6), dbSNP rs1057516973, ClinGen allele CA16041551.